The following is an entry in ClinVar:

NM_014003.4(DHX38):c.182A>C (p.Glu61Ala)

Gene: DHX38 (DEAH-box helicase 38; plus strand). Cytogenetic location: 16q22.2.
Variant type: single nucleotide variant.
Coding change: c.182A>C on transcript NM_014003.4 (MANE Select); coding-DNA position 182, A replaced by C.
Protein change: p.Glu61Ala; replaces glutamic acid 61 with alanine.
Molecular consequence: missense variant.
Genome position (GRCh38, 1-based): chr16:72,096,339, A>C. VCF-style: chr16-72096339-A-C. GRCh37 (hg19) VCF-style: chr16-72130238-A-C.
Other names: short protein forms E61A.
Identifiers: ClinVar variation 1951294 (VCV001951294.6), dbSNP rs574278049, ClinGen allele CA8159889.

ClinVar aggregate classification (germline): Uncertain significance. Review status: criteria provided, multiple submitters, no conflicts (2 of 4 stars). 2 submissions from 2 submitters: Uncertain significance (2). Last evaluated 2022-10-13.

Allele frequency attached by ClinVar (database versions not stated): gnomAD exomes below 0.00001; ExAC 0.00001; gnomAD 0.00001; 1000 Genomes Project 30x 0.00016; 1000 Genomes Project 0.00020.
gnomAD v4.1: 6 of 1,614,180 alleles (0.00037%); highest among the groups gnomAD compares: Admixed American, 0.01%; no homozygotes.

Submissions (2):

Labcorp Genetics (formerly Invitae), Labcorp
Classification: Uncertain significance. Last evaluated: 2022-10-13. Review status: criteria provided, single submitter. Criteria: Invitae Variant Classification Sherloc (09022015). Collection method: clinical testing. Allele origin: germline.
Comment: In summary, the available evidence is currently insufficient to determine the role of this variant in disease. Therefore, it has been classified as a Variant of Uncertain Significance. Algorithms developed to predict the effect of missense changes on protein structure and function are either unavailable or do not agree on the potential impact of this missense change (SIFT: "Deleterious"; PolyPhen-2: "Benign"; Align-GVGD: "Class C0"). This variant has not been reported in the literature in individuals affected with DHX38-related conditions. This variant is present in population databases (rs574278049, gnomAD 0.003%). This sequence change replaces glutamic acid, which is acidic and polar, with alanine, which is neutral and non-polar, at codon 61 of the DHX38 protein (p.Glu61Ala).

Blueprint Genetics
Classification: Uncertain significance. Last evaluated: 2021-06-18. Review status: criteria provided, single submitter. Criteria: ACMG Guidelines, 2015. Collection method: clinical testing. Allele origin: germline.